The following is an entry in ClinVar:

NM_173728.4(ARHGEF15):c.2501G>T (p.Gly834Val)

Gene: ARHGEF15 (Rho guanine nucleotide exchange factor 15; plus strand). Cytogenetic location: 17p13.1.
Variant type: single nucleotide variant.
Coding change: c.2501G>T on transcript NM_173728.4 (MANE Select); coding-DNA position 2501, G replaced by T.
Protein change: p.Gly834Val; replaces glycine 834 with valine.
Molecular consequence: missense variant.
Genome position (GRCh38, 1-based): chr17:8,320,968, G>T. VCF-style: chr17-8320968-G-T. GRCh37 (hg19) VCF-style: chr17-8224286-G-T.
Other names: c.2501G>T, p.Gly834Val (NM_025014.2); short protein forms G834V.
Identifiers: ClinVar variation 2864598 (VCV002864598.3), dbSNP rs929994723, ClinGen allele CA398026151.

ClinVar aggregate classification (germline): Uncertain significance (1 of 4 stars; one submission).

Conditions:
Early-infantile DEE. Also called: Ohtahara syndrome; Early infantile epileptic encephalopathy with suppression bursts; Early infantile epileptic encephalopathy. Identifiers: Orphanet 1934, MedGen C0393706, MONDO:0800491.

Submission:

Labcorp Genetics (formerly Invitae), Labcorp
Classification: Uncertain significance for Early-infantile DEE. Last evaluated: 2023-05-15. Review status: criteria provided, single submitter. Criteria: Invitae Variant Classification Sherloc (09022015). Collection method: clinical testing. Allele origin: germline.
Comment: In summary, the available evidence is currently insufficient to determine the role of this variant in disease. Therefore, it has been classified as a Variant of Uncertain Significance. An algorithm developed to predict the effect of missense changes on protein structure and function (PolyPhen-2) suggests that this variant is likely to be tolerated. This variant has not been reported in the literature in individuals affected with ARHGEF15-related conditions. This variant is not present in population databases (gnomAD no frequency). This sequence change replaces glycine, which is neutral and non-polar, with valine, which is neutral and non-polar, at codon 834 of the ARHGEF15 protein (p.Gly834Val).